The following is an entry in ClinVar:

ClinVar aggregate classification (germline): Likely benign. Review status: criteria provided, multiple submitters, no conflicts (2 of 4 stars). 2 submissions from 2 submitters: Likely benign (2). Last evaluated 2026-07-13.

Conditions:
Hereditary cancer-predisposing syndrome. Also called: Neoplastic Syndromes, Hereditary; Tumor predisposition; Hereditary Cancer Syndrome; Hereditary neoplastic syndrome. Identifiers: Orphanet 140162, MedGen C0027672, MeSH D009386, MONDO:0015356.

Allele frequency attached by ClinVar (database versions not stated): gnomAD exomes below 0.00001.
gnomAD v4.1: 1 of 1,614,102 alleles (0.000062%); highest among the groups gnomAD compares: South Asian, 0.0011%; no homozygotes.

Submissions (2):

Ambry Genetics
Classification: Likely benign for Hereditary cancer-predisposing syndrome. Last evaluated: 2026-07-13. Review status: criteria provided, single submitter. Criteria: Ambry Variant Classification Scheme 2023. Collection method: clinical testing. Allele origin: germline.

CeGaT Center for Human Genetics Tuebingen
Classification: Likely benign. Last evaluated: 2023-11-01. Review status: criteria provided, single submitter. Criteria: CeGaT Center For Human Genetics Tuebingen Variant Classification Criteria Version 2. Collection method: clinical testing. Allele origin: germline. Affected: yes. Observed: 1 variant allele.
Comment: EGFR: PM2:Supporting, BP4, BP7

NM_005228.5(EGFR):c.3057A>C (p.Pro1019=)

Gene: EGFR (epidermal growth factor receptor; plus strand). Cytogenetic location: 7p11.2.
Variant type: single nucleotide variant.
Coding change: c.3057A>C on transcript NM_005228.5 (MANE Select); coding-DNA position 3057, A replaced by C.
Protein change: p.Pro1019=; no amino-acid change (proline 1019 retained).
Molecular consequence: synonymous variant.
Genome position (GRCh38, 1-based): chr7:55,201,298, A>C. VCF-style: chr7-55201298-A-C. GRCh37 (hg19) VCF-style: chr7-55268991-A-C.
Other names: c.2922A>C, p.Pro974= (NM_001346897.2, NM_001346899.2); c.3057A>C, p.Pro1019= (NM_001346898.2); c.2898A>C, p.Pro966= (NM_001346900.2); c.2256A>C, p.Pro752= (NM_001346941.2).
Identifiers: ClinVar variation 2657512 (VCV002657512.25), dbSNP rs2128971685, ClinGen allele CA454968595.
Genomic context (GRCh38, chr7:55,201,298, plus strand): 5'-TGCCCTGATGGATGAAGAAGACATGGACGACGTGGTGGATGCCGACGAGTACCTCATCCC[A>C]CAGCAGGGCTTCTTCAGCAGCCCCTCCACGTCACGGACTCCCCTCCTGAGCTCTCTGGTA-3'
Protein context (NP_005219.2, residues 1009-1029): DVVDADEYLI[Pro1019=]QQGFFSSPST